The following is an entry in ClinVar:

ClinVar aggregate classification (germline): Uncertain significance. Review status: criteria provided, multiple submitters, no conflicts (2 of 4 stars). 2 submissions from 2 submitters: Uncertain significance (2). Last evaluated 2025-10-09.

Conditions:
Mucopolysaccharidosis, MPS-III-A (MPS3A). Also called: HEPARAN SULFATE SULFATASE DEFICIENCY; SANFILIPPO SYNDROME A; SULFAMIDASE DEFICIENCY; MPS III A; MPS IIIA (Sanfilippo Syndrome Type A); Mucopolysaccharidosis type IIIA (Sanfilippo A). Identifiers: Orphanet 581, Orphanet 79269, MedGen C0086647, MONDO:0009655, OMIM 252900.

gnomAD v4.1: 1 of 1,610,702 alleles (0.000062%); highest among the groups gnomAD compares: Admixed American, 0.0017%; no homozygotes.

Submissions (2):

Labcorp Genetics (formerly Invitae), Labcorp
Classification: Uncertain significance for Mucopolysaccharidosis, MPS-III-A. Last evaluated: 2025-10-09. Review status: criteria provided, single submitter. Criteria: Invitae Variant Classification Sherloc (09022015). Collection method: clinical testing. Allele origin: germline.
Comment: This sequence change falls in intron 3 of the SGSH gene. It does not directly change the encoded amino acid sequence of the SGSH protein. It affects a nucleotide within the consensus splice site. This variant is not present in population databases (gnomAD no frequency). This variant has not been reported in the literature in individuals affected with SGSH-related conditions. ClinVar contains an entry for this variant (Variation ID: 1427210). Variants that disrupt the consensus splice site are a relatively common cause of aberrant splicing (PMID: 17576681, 9536098). Algorithms developed to predict the effect of sequence changes on RNA splicing suggest that this variant may disrupt the consensus splice site. In summary, the available evidence is currently insufficient to determine the role of this variant in disease. Therefore, it has been classified as a Variant of Uncertain Significance.

GeneDx
Classification: Uncertain significance. Last evaluated: 2023-11-01. Review status: criteria provided, single submitter. Criteria: GeneDx Variant Classification Process June 2021. Collection method: clinical testing. Allele origin: germline. Affected: yes.
Comment: Not observed at significant frequency in large population cohorts (gnomAD); Has not been previously published as pathogenic or benign to our knowledge; In silico analysis suggests this variant may impact gene splicing. In the absence of RNA/functional studies, the actual effect of this sequence change is unknown.

Literature cited by the submitters: PubMed 17576681 (cited by Labcorp Genetics (formerly Invitae), Labcorp); PubMed 9536098 (cited by Labcorp Genetics (formerly Invitae), Labcorp).

NM_000199.5(SGSH):c.356-3C>G

Gene: SGSH (N-sulfoglucosamine sulfohydrolase; minus strand). Cytogenetic location: 17q25.3.
Variant type: single nucleotide variant.
Coding change: c.356-3C>G on transcript NM_000199.5 (MANE Select); 3 bases into the intron before coding-DNA position 356, C replaced by G.
Molecular consequence: intron variant.
Genome position (GRCh38, 1-based): chr17:80,214,768, G>C on the plus strand (C>G on the coding strand, the complement: SGSH is on the minus strand). VCF-style: chr17-80214768-G-C. GRCh37 (hg19) VCF-style: chr17-78188567-G-C.
Other names: c.356-3C>G (NM_001352921.3, NM_001352922.2).
Identifiers: ClinVar variation 1427210 (VCV001427210.5), dbSNP rs1361176382, ClinGen allele CA401363406.